The following is an entry in ClinVar:

NM_002838.5(PTPRC):c.2309A>G (p.Glu770Gly)

Gene: PTPRC (protein tyrosine phosphatase receptor type C; plus strand). Cytogenetic location: 1q32.1.
Variant type: single nucleotide variant.
Coding change: c.2309A>G on transcript NM_002838.5 (MANE Select); coding-DNA position 2309, A replaced by G.
Protein change: p.Glu770Gly; replaces glutamic acid 770 with glycine.
Molecular consequence: missense variant.
Genome position (GRCh38, 1-based): chr1:198,735,158, A>G. VCF-style: chr1-198735158-A-G. GRCh37 (hg19) VCF-style: chr1-198704287-A-G.
Other names: c.1826A>G, p.Glu609Gly (NM_080921.4); short protein forms E609G, E770G.
Identifiers: ClinVar variation 659856 (VCV000659856.9), dbSNP rs752691679, ClinGen allele CA1315077.

ClinVar aggregate classification (germline): Uncertain significance (1 of 4 stars; one submission).

Conditions:
Immunodeficiency 104. Also called: Severe combined immunodeficiency, autosomal recessive, T cell-negative, B cell-positive, NK cell-positive; IMMUNODEFICIENCY 104, SEVERE COMBINED; SCID, AUTOSOMAL RECESSIVE, T CELL-NEGATIVE, B CELL-POSITIVE, NK CELL-POSITIVE; Severe Combined Immune Deficiency, Autosomal Recessive, TCell -Negative, B Cell-Positive, NK Cell-Positive, IL7R-Related. Identifiers: MedGen C5676890, MONDO:0012163, OMIM 608971.

Allele frequency attached by ClinVar (database versions not stated): ExAC 0.00001; gnomAD 0.00001; gnomAD exomes 0.00001.
gnomAD v4.1: 8 of 1,603,790 alleles (0.0005%); highest among the groups gnomAD compares: South Asian, 0.0034%; no homozygotes.

Submission:

Labcorp Genetics (formerly Invitae), Labcorp
Classification: Uncertain significance for Immunodeficiency 104. Last evaluated: 2022-08-16. Review status: criteria provided, single submitter. Criteria: Invitae Variant Classification Sherloc (09022015). Collection method: clinical testing. Allele origin: germline.
Comment: This sequence change replaces glutamic acid, which is acidic and polar, with glycine, which is neutral and non-polar, at codon 770 of the PTPRC protein (p.Glu770Gly). This variant is present in population databases (rs752691679, gnomAD 0.003%). This variant has not been reported in the literature in individuals affected with PTPRC-related conditions. ClinVar contains an entry for this variant (Variation ID: 659856). Algorithms developed to predict the effect of missense changes on protein structure and function (SIFT, PolyPhen-2, Align-GVGD) all suggest that this variant is likely to be disruptive. In summary, the available evidence is currently insufficient to determine the role of this variant in disease. Therefore, it has been classified as a Variant of Uncertain Significance.